The following is an entry in ClinVar:

NM_000051.4(ATM):c.1745T>G (p.Phe582Cys)

Gene: ATM (ATM serine/threonine kinase; plus strand). Cytogenetic location: 11q22.3.
Variant type: single nucleotide variant.
Coding change: c.1745T>G on transcript NM_000051.4 (MANE Select); coding-DNA position 1745, T replaced by G.
Protein change: p.Phe582Cys; replaces phenylalanine 582 with cysteine.
Molecular consequence: missense variant.
Genome position (GRCh38, 1-based): chr11:108,251,974, T>G. VCF-style: chr11-108251974-T-G. GRCh37 (hg19) VCF-style: chr11-108122701-T-G.
Other names: c.1745T>G, p.Phe582Cys (NM_001351834.2); short protein forms F582C.
Identifiers: ClinVar variation 2015003 (VCV002015003.1), dbSNP rs1064794747, ClinGen allele CA382535345.

ClinVar aggregate classification (germline): Uncertain significance (1 of 4 stars; one submission).

Conditions:
Ataxia-telangiectasia syndrome (AT). Also called: Cerebello-oculocutaneous telangiectasia; Immunodeficiency with ataxia telangiectasia; Ataxia telangiectasia (A-T); LOUIS-BAR SYNDROME; Ataxia-telangiectasia, complementation group D; AT, COMPLEMENTATION GROUP C. Identifiers: Orphanet 100, MedGen C0004135, MONDO:0008840, OMIM 208900.

Submission:

Labcorp Genetics (formerly Invitae), Labcorp
Classification: Uncertain significance for Ataxia-telangiectasia syndrome. Last evaluated: 2022-08-04. Review status: criteria provided, single submitter. Criteria: Invitae Variant Classification Sherloc (09022015). Collection method: clinical testing. Allele origin: germline.
Comment: This sequence change replaces phenylalanine, which is neutral and non-polar, with cysteine, which is neutral and slightly polar, at codon 582 of the ATM protein (p.Phe582Cys). This variant is not present in population databases (gnomAD no frequency). This variant has not been reported in the literature in individuals affected with ATM-related conditions. Advanced modeling of protein sequence and biophysical properties (such as structural, functional, and spatial information, amino acid conservation, physicochemical variation, residue mobility, and thermodynamic stability) performed at Invitae indicates that this missense variant is not expected to disrupt ATM protein function. In summary, the available evidence is currently insufficient to determine the role of this variant in disease. Therefore, it has been classified as a Variant of Uncertain Significance.